The following is an entry in ClinVar:

NM_014639.4(SKIC3):c.4414A>G (p.Thr1472Ala)

Gene: SKIC3 (SKI3 subunit of superkiller complex; minus strand). Cytogenetic location: 5q15.
Variant type: single nucleotide variant.
Coding change: c.4414A>G on transcript NM_014639.4 (MANE Select); coding-DNA position 4414, A replaced by G.
Protein change: p.Thr1472Ala; replaces threonine 1472 with alanine.
Molecular consequence: missense variant.
Genome position (GRCh38, 1-based): chr5:95,469,862, T>C on the plus strand (A>G on the coding strand, the complement: SKIC3 is on the minus strand). VCF-style: chr5-95469862-T-C. GRCh37 (hg19) VCF-style: chr5-94805566-T-C.
Other names: c.4414A>G (NM_014639.3); short protein forms T1472A.
Identifiers: ClinVar variation 1020524 (VCV001020524.6), dbSNP rs137911987, ClinGen allele CA3346397.

ClinVar aggregate classification (germline): Uncertain significance. Review status: criteria provided, multiple submitters, no conflicts (2 of 4 stars). 2 submissions from 2 submitters: Uncertain significance (2). Last evaluated 2024-12-02.

Conditions:
Inborn genetic diseases. Identifiers: MedGen C0950123, MeSH D030342.

Allele frequency attached by ClinVar (database versions not stated): gnomAD exomes 0.00008 and 0.00025; ESP Exome Variant Server 0.00015; gnomAD 0.00018; ExAC 0.00027; TOPMed 0.00027; 1000 Genomes Project 30x 0.00031; 1000 Genomes Project 0.00040.
gnomAD v4.1: 140 of 1,614,180 alleles (0.0087%); highest among the groups gnomAD compares: East Asian, 0.12%; no homozygotes.

Submissions (2):

Labcorp Genetics (formerly Invitae), Labcorp
Classification: Uncertain significance. Last evaluated: 2024-12-02. Review status: criteria provided, single submitter. Criteria: Invitae Variant Classification Sherloc (09022015). Collection method: clinical testing. Allele origin: germline.
Comment: This sequence change replaces threonine, which is neutral and polar, with alanine, which is neutral and non-polar, at codon 1472 of the TTC37 protein (p.Thr1472Ala). This variant is present in population databases (rs137911987, gnomAD 0.2%). This variant has not been reported in the literature in individuals affected with TTC37-related conditions. ClinVar contains an entry for this variant (Variation ID: 1020524). An algorithm developed to predict the effect of missense changes on protein structure and function outputs the following: PolyPhen-2: "Benign". The alanine amino acid residue is found in multiple mammalian species, which suggests that this missense change does not adversely affect protein function. In summary, the available evidence is currently insufficient to determine the role of this variant in disease. Therefore, it has been classified as a Variant of Uncertain Significance.

Ambry Genetics
Classification: Uncertain significance for Inborn genetic diseases. Last evaluated: 2024-03-20. Review status: criteria provided, single submitter. Criteria: Ambry Variant Classification Scheme 2023. Collection method: clinical testing. Allele origin: germline.